The following is an entry in ClinVar:

NM_003239.5(TGFB3):c.1177G>A (p.Gly393Arg)

Gene: TGFB3 (transforming growth factor beta 3; minus strand). Cytogenetic location: 14q24.3.
Variant type: single nucleotide variant.
Coding change: c.1177G>A on transcript NM_003239.5 (MANE Select); coding-DNA position 1177, G replaced by A.
Protein change: p.Gly393Arg; replaces glycine 393 with arginine.
Molecular consequence: missense variant.
Genome position (GRCh38, 1-based): chr14:75,959,249, C>T on the plus strand (G>A on the coding strand, the complement: TGFB3 is on the minus strand). VCF-style: chr14-75959249-C-T. GRCh37 (hg19) VCF-style: chr14-76425592-C-T.
Other names: c.1177G>A, p.Gly393Arg (NM_001329939.2); short protein forms G393R.
Identifiers: ClinVar variation 1800799 (VCV001800799.4), dbSNP rs2504093584, ClinGen allele CA390466891.

ClinVar aggregate classification (germline): Uncertain significance. Review status: criteria provided, multiple submitters, no conflicts (2 of 4 stars). 2 submissions from 2 submitters: Uncertain significance (2). Last evaluated 2023-11-27.

Conditions:
Rienhoff syndrome. Also called: LOEYS-DIETZ SYNDROME 5. Identifiers: MedGen C3810012, MONDO:0014262, OMIM 615582.

Submissions (2):

Labcorp Genetics (formerly Invitae), Labcorp
Classification: Uncertain significance for Rienhoff syndrome. Last evaluated: 2023-11-27. Review status: criteria provided, single submitter. Criteria: Invitae Variant Classification Sherloc (09022015). Collection method: clinical testing. Allele origin: germline.
Comment: This sequence change replaces glycine, which is neutral and non-polar, with arginine, which is basic and polar, at codon 393 of the TGFB3 protein (p.Gly393Arg). This variant is not present in population databases (gnomAD no frequency). This variant has not been reported in the literature in individuals affected with TGFB3-related conditions. ClinVar contains an entry for this variant (Variation ID: 1800799). Advanced modeling of protein sequence and biophysical properties (such as structural, functional, and spatial information, amino acid conservation, physicochemical variation, residue mobility, and thermodynamic stability) performed at Invitae indicates that this missense variant is not expected to disrupt TGFB3 protein function with a negative predictive value of 80%. In summary, the available evidence is currently insufficient to determine the role of this variant in disease. Therefore, it has been classified as a Variant of Uncertain Significance.

GeneDx
Classification: Uncertain significance. Last evaluated: 2022-11-18. Review status: criteria provided, single submitter. Criteria: GeneDx Variant Classification Process June 2021. Collection method: clinical testing. Allele origin: germline. Affected: yes.
Comment: Has not been previously published as pathogenic or benign to our knowledge; Not observed at significant frequency in large population cohorts (gnomAD); In silico analysis supports that this missense variant has a deleterious effect on protein structure/function